The following is an entry in ClinVar:

ClinVar aggregate classification (germline): Likely benign (0 of 4 stars; one submission).

Conditions:
FSCN2-related disorder. Also called: FSCN2-related condition.

Allele frequency attached by ClinVar (database versions not stated): TOPMed below 0.00001; ExAC 0.00001; gnomAD exomes 0.00001.
gnomAD v4.1: 3 of 1,605,364 alleles (0.00019%); highest among the groups gnomAD compares: Non-Finnish European, 0.00025%; no homozygotes.

Submission:

PreventionGenetics, part of Exact Sciences
Classification: Likely benign for FSCN2-related condition. Last evaluated: 2021-03-23. Review status: no assertion criteria provided. Collection method: clinical testing. Allele origin: germline.
Comment: This variant is classified as likely benign based on ACMG/AMP sequence variant interpretation guidelines (Richards et al. 2015 PMID: 25741868, with internal and published modifications).

NM_012418.4(FSCN2):c.1106-26A>G

Gene: FSCN2 (fascin actin-bundling protein 2, retinal; plus strand). Cytogenetic location: 17q25.3.
Variant type: single nucleotide variant.
Coding change: c.1106-26A>G on transcript NM_012418.4 (MANE Select); 26 bases into the intron before coding-DNA position 1106, A replaced by G.
Molecular consequence: intron variant. On other transcripts: synonymous variant (1).
Genome position (GRCh38, 1-based): chr17:81,536,596, A>G. VCF-style: chr17-81536596-A-G. GRCh37 (hg19) VCF-style: chr17-79503622-A-G.
Other names: c.1152A>G, p.Ala384= (NM_001077182.3).
Identifiers: ClinVar variation 3031023 (VCV003031023.2), dbSNP rs750841687, ClinGen allele CA8836996.